The following is an entry in ClinVar:

NM_133261.3(GIPC3):c.298G>A (p.Asp100Asn)

Gene: GIPC3 (GIPC PDZ domain containing family member 3; plus strand). Cytogenetic location: 19p13.3.
Variant type: single nucleotide variant.
Coding change: c.298G>A on transcript NM_133261.3 (MANE Select); coding-DNA position 298, G replaced by A.
Protein change: p.Asp100Asn; replaces aspartic acid 100 with asparagine.
Molecular consequence: missense variant.
Genome position (GRCh38, 1-based): chr19:3,586,567, G>A. VCF-style: chr19-3586567-G-A. GRCh37 (hg19) VCF-style: chr19-3586565-G-A.
Other names: short protein forms D100N.
Identifiers: ClinVar variation 163505 (VCV000163505.6), dbSNP rs727503063, ClinGen allele CA176145.
Genomic context (GRCh38, chr19:3,586,567, plus strand): 5'-ACCCTCAACAGCCACAAAGTGGACATGCAGAAGCTCCTGGGGGGTCAGATAGGCCTGGAG[G>A]ACTTCATCTTTGCCCACGTGCGAGGCGAGACCAAGGAGGTGGAGGTCACTAAGACAGAGG-3'
Protein context (NP_573568.1, residues 90-110): KLLGGQIGLE[Asp100Asn]FIFAHVRGET

ClinVar aggregate classification (germline): Uncertain significance. Review status: criteria provided, multiple submitters, no conflicts (2 of 4 stars). 2 submissions from 2 submitters: Uncertain significance (2). Last evaluated 2023-01-18.

Conditions:
Inborn genetic diseases. Identifiers: MedGen C0950123, MeSH D030342.

Allele frequency attached by ClinVar (database versions not stated): gnomAD 0.00001; gnomAD exomes 0.00001; TOPMed 0.00001.

Submissions (2):

Ambry Genetics
Classification: Uncertain significance for Inborn genetic diseases. Last evaluated: 2023-01-18. Review status: criteria provided, single submitter. Criteria: Ambry Variant Classification Scheme 2023. Collection method: clinical testing. Allele origin: germline.

Laboratory for Molecular Medicine, Mass General Brigham Personalized Medicine
Classification: Uncertain significance. Last evaluated: 2015-08-11. Review status: criteria provided, single submitter. Criteria: LMM Criteria. Collection method: clinical testing. Allele origin: germline. Observed: 2 variant alleles.
Comment: Variant classified as Uncertain Significance - Favor Pathogenic. The p.Asp100Asn variant in GIPC3 has been identified by our laboratory in two individuals with hearing loss. The p.Asp100Asn variant was absent from large population studies. Computational prediction tools and conservation analysis do not provide strong support for or against an impact to the protein. In summary, while there is some suspicion for a pathogenic role, the clinical significance of this vari ant is uncertain.